The following is an entry in ClinVar:

NM_033215.5(PPP1R3F):c.207_228del (p.Gly70fs)

Genes: PPP1R3F (protein phosphatase 1 regulatory subunit 3F; plus strand), LOC130068282 (ATAC-STARR-seq lymphoblastoid silent region 20845; plus strand). Cytogenetic location: Xp11.23.
Variant type: Microsatellite.
Coding change: c.207_228del on transcript NM_033215.5 (MANE Select); coding-DNA positions 207 to 228, 22 bases deleted (CGGGCAAGATGGCGGCGGCGGC).
Protein change: p.Gly70fs; shifts the reading frame from glycine 70.
Molecular consequence: frameshift variant. On other transcripts: intron variant (1).
Genome position (GRCh38, 1-based): chrX:49,270,076-49,270,097, CGGGCAAGATGGCGGCGGCGGC deleted; deleting any 22 consecutive bases within chrX:49,270,054-49,270,097 gives the same sequence; the c. name uses the placement nearest the transcript's 3' end. VCF-style (leftmost placement, unchanged base first): chrX-49270053-GCGGGCAAGATGGCGGCGGCGGC-G. GRCh37 (hg19) VCF-style: chrX-49126516-GCGGGCAAGATGGCGGCGGCGGC-G.
Other names: c.-32+143_-32+164del (NM_001184745.2); short protein forms G70fs.
Identifiers: ClinVar variation 3679011 (VCV003679011.2).

ClinVar aggregate classification (germline): Pathogenic (1 of 4 stars; one submission).

Submission:

Labcorp Genetics (formerly Invitae), Labcorp
Classification: Pathogenic. Last evaluated: 2025-11-06. Review status: criteria provided, single submitter. Criteria: Invitae Variant Classification Sherloc (09022015). Collection method: clinical testing. Allele origin: germline.
Comment: This sequence change creates a premature translational stop signal (p.Gly70Alafs*95) in the PPP1R3F gene. It is expected to result in an absent or disrupted protein product. Loss-of-function variants in PPP1R3F are known to be pathogenic (PMID: 37531237). The frequency data for this variant in the population databases is considered unreliable, as metrics indicate poor data quality at this position in the gnomAD database. This premature translational stop signal has been observed in individual(s) with PPP1R3F-related conditions (PMID: 37531237). For these reasons, this variant has been classified as Pathogenic.

Literature cited by the submitters: PubMed 37531237.